The following is an entry in ClinVar:

ClinVar aggregate classification (germline): Uncertain significance (1 of 4 stars; one submission).

Conditions:
Heterotopia, periventricular, X-linked dominant (PVNH1). Also called: PERIVENTRICULAR NODULAR HETEROTOPIA 4; HETEROTOPIA, PERIVENTRICULAR, 1; PERIVENTRICULAR NODULAR HETEROTOPIA 1; X-linked periventricular heterotopia. Identifiers: Orphanet 2149, Orphanet 82004, MedGen C1848213, MONDO:0010233, OMIM 300049.
Melnick-Needles syndrome (MNS). Also called: Melnick-Needles Syndrome (FLNA-MNS); MELNICK-NEEDLES OSTEODYSPLASTY; OSTEODYSPLASTY OF MELNICK AND NEEDLES. Identifiers: Orphanet 2484, MedGen C0025237, MONDO:0010650, OMIM 309350.
Frontometaphyseal dysplasia (FMD1). Identifiers: Orphanet 1826, MedGen C0265293, MONDO:0015942.
Oto-palato-digital syndrome, type II (OPD2). Also called: Otopalatodigital Syndrome Type 2 (FLNA-OPD2); Otopalatodigital Syndrome, Type II; FACIOPALATOOSSEOUS SYNDROME; OPD II SYNDROME. Identifiers: Orphanet 669, Orphanet 90652, MedGen C1844696, MONDO:0010571, OMIM 304120.

Submission:

Labcorp Genetics (formerly Invitae), Labcorp
Classification: Uncertain significance for Oto-palato-digital syndrome, type II; Heterotopia, periventricular, X-linked dominant; Frontometaphyseal dysplasia; Melnick-Needles syndrome. Last evaluated: 2018-05-18. Review status: criteria provided, single submitter. Criteria: Invitae Variant Classification Sherloc (09022015). Collection method: clinical testing. Allele origin: germline.
Comment: In summary, the available evidence is currently insufficient to determine the role of this variant in disease. Therefore, it has been classified as a Variant of Uncertain Significance. Algorithms developed to predict the effect of missense changes on protein structure and function do not agree on the potential impact of this missense change (SIFT: "Deleterious"; PolyPhen-2: "Probably Damaging"; Align-GVGD: "Class C15"). This variant has not been reported in the literature in individuals with FLNA-related disease. This variant is not present in population databases (ExAC no frequency). This sequence change replaces asparagine with tyrosine at codon 66 of the FLNA protein (p.Asn66Tyr). The asparagine residue is highly conserved and there is a large physicochemical difference between asparagine and tyrosine.

NM_001110556.2(FLNA):c.196A>T (p.Asn66Tyr)

Gene: FLNA (filamin A; minus strand). Cytogenetic location: Xq28.
Variant type: single nucleotide variant.
Coding change: c.196A>T on transcript NM_001110556.2 (MANE Select); coding-DNA position 196, A replaced by T.
Protein change: p.Asn66Tyr; replaces asparagine 66 with tyrosine.
Molecular consequence: missense variant.
Genome position (GRCh38, 1-based): chrX:154,371,050, T>A on the plus strand (A>T on the coding strand, the complement: FLNA is on the minus strand). VCF-style: chrX-154371050-T-A. GRCh37 (hg19) VCF-style: chrX-153599418-T-A.
Other names: c.196A>T, p.Asn66Tyr (NM_001456.4); short protein forms N66Y.
Identifiers: ClinVar variation 577736 (VCV000577736.10), dbSNP rs1569551926, ClinGen allele CA415255048.